The following is an entry in ClinVar:

NM_022114.4(PRDM16):c.2905C>T (p.His969Tyr)

Gene: PRDM16 (PR/SET domain 16; plus strand). Cytogenetic location: 1p36.32.
Variant type: single nucleotide variant.
Coding change: c.2905C>T on transcript NM_022114.4 (MANE Select); coding-DNA position 2905, C replaced by T.
Protein change: p.His969Tyr; replaces histidine 969 with tyrosine.
Molecular consequence: missense variant.
Genome position (GRCh38, 1-based): chr1:3,418,710, C>T. VCF-style: chr1-3418710-C-T. GRCh37 (hg19) VCF-style: chr1-3335274-C-T.
Other names: c.2905C>T, p.His969Tyr (NM_199454.3); c.2905C>T (NM_022114.3); short protein forms H969Y.
Identifiers: ClinVar variation 1043512 (VCV001043512.9), dbSNP rs1638341252, ClinGen allele CA338001771.
Genomic context (GRCh38, chr1:3,418,710, plus strand): 5'-ACCTCCCTCCACCCCAGGTACTGTGGGAAGATCTTCCCCAGATCAGCCAATCTCACCAGA[C>T]ACCTGAGGACGCACACTGGGGAGCAGCCGTACAGGTAGGTGCTGCGTGGGCTGGGTGTGG-3'
Protein context (NP_071397.3, residues 959-979): IFPRSANLTR[His969Tyr]LRTHTGEQPY

ClinVar aggregate classification (germline): Uncertain significance. Review status: criteria provided, multiple submitters, no conflicts (2 of 4 stars). 2 submissions from 2 submitters: Uncertain significance (2). Last evaluated 2024-02-20.

Conditions:
Left ventricular noncompaction 8 (LVNC8). Identifiers: Orphanet 154, Orphanet 54260, MedGen C3809288, MONDO:0014152, OMIM 615373.

Submissions (2):

GeneDx
Classification: Uncertain significance. Last evaluated: 2024-02-20. Review status: criteria provided, single submitter. Criteria: GeneDx Variant Classification Process June 2021. Collection method: clinical testing. Allele origin: germline. Affected: yes.
Comment: Not observed at significant frequency in large population cohorts (gnomAD); In silico analysis supports that this missense variant has a deleterious effect on protein structure/function; Has not been previously published as pathogenic or benign to our knowledge

Labcorp Genetics (formerly Invitae), Labcorp
Classification: Uncertain significance for Left ventricular noncompaction 8. Last evaluated: 2022-07-26. Review status: criteria provided, single submitter. Criteria: Invitae Variant Classification Sherloc (09022015). Collection method: clinical testing. Allele origin: germline.
Comment: Algorithms developed to predict the effect of missense changes on protein structure and function (SIFT, PolyPhen-2, Align-GVGD) all suggest that this variant is likely to be disruptive. In summary, the available evidence is currently insufficient to determine the role of this variant in disease. Therefore, it has been classified as a Variant of Uncertain Significance. ClinVar contains an entry for this variant (Variation ID: 1043512). This variant has not been reported in the literature in individuals affected with PRDM16-related conditions. This variant is not present in population databases (gnomAD no frequency). This sequence change replaces histidine, which is basic and polar, with tyrosine, which is neutral and polar, at codon 969 of the PRDM16 protein (p.His969Tyr).